The following is an entry in ClinVar:

ClinVar aggregate classification (germline): Uncertain significance. Review status: criteria provided, multiple submitters, no conflicts (2 of 4 stars). 2 submissions from 2 submitters: Uncertain significance (2). Last evaluated 2025-05-13.

Conditions:
Hereditary cancer-predisposing syndrome. Also called: Neoplastic Syndromes, Hereditary; Hereditary Cancer Syndrome; Tumor predisposition; Hereditary neoplastic syndrome. Identifiers: Orphanet 140162, MedGen C0027672, MeSH D009386, MONDO:0015356.
Ataxia-telangiectasia syndrome (AT). Also called: LOUIS-BAR SYNDROME; Cerebello-oculocutaneous telangiectasia; Immunodeficiency with ataxia telangiectasia; Ataxia-telangiectasia, complementation group D; AT, COMPLEMENTATION GROUP C; Ataxia-telangiectasia, complementation group E. Identifiers: Orphanet 100, MedGen C0004135, MONDO:0008840, OMIM 208900.

Submissions (2):

Color Diagnostics, LLC DBA Color Health
Classification: Uncertain significance for Hereditary cancer-predisposing syndrome. Last evaluated: 2025-05-13. Review status: criteria provided, single submitter. Criteria: ACMG Guidelines, 2015. Collection method: clinical testing. Allele origin: germline.
Comment: This missense variant replaces aspartic acid with tyrosine at codon 2377 of the ATM protein. Computational prediction suggests that this variant may not impact protein structure and function. To our knowledge, functional studies have not been reported for this variant. This variant has been reported in individuals affected with breast cancer in the literature (PMID: 32658311, 38308423). This variant has not been identified in the general population by the Genome Aggregation Database (gnomAD). The available evidence is insufficient to determine the role of this variant in disease conclusively. Therefore, this variant is classified as a Variant of Uncertain Significance.

Labcorp Genetics (formerly Invitae), Labcorp
Classification: Uncertain significance for Ataxia-telangiectasia syndrome. Last evaluated: 2025-05-05. Review status: criteria provided, single submitter. Criteria: Invitae Variant Classification Sherloc (09022015). Collection method: clinical testing. Allele origin: germline.
Comment: This sequence change replaces aspartic acid, which is acidic and polar, with tyrosine, which is neutral and polar, at codon 2377 of the ATM protein (p.Asp2377Tyr). This variant is not present in population databases (gnomAD no frequency). This variant has not been reported in the literature in individuals affected with ATM-related conditions. ClinVar contains an entry for this variant (Variation ID: 453660). Invitae Evidence Modeling of protein sequence and biophysical properties (such as structural, functional, and spatial information, amino acid conservation, physicochemical variation, residue mobility, and thermodynamic stability) indicates that this missense variant is not expected to disrupt ATM protein function with a negative predictive value of 95%. In summary, the available evidence is currently insufficient to determine the role of this variant in disease. Therefore, it has been classified as a Variant of Uncertain Significance.

Literature cited by the submitters: PubMed 32658311 (cited by Color Diagnostics, LLC DBA Color Health); PubMed 38308423 (cited by Color Diagnostics, LLC DBA Color Health).

NM_000051.4(ATM):c.7129G>T (p.Asp2377Tyr)

Genes: ATM (ATM serine/threonine kinase; plus strand), C11orf65 (chromosome 11 open reading frame 65; minus strand). Cytogenetic location: 11q22.3.
Variant type: single nucleotide variant.
Coding change: c.7129G>T on transcript NM_000051.4 (MANE Select); coding-DNA position 7129, G replaced by T.
Protein change: p.Asp2377Tyr; replaces aspartic acid 2377 with tyrosine.
Molecular consequence: missense variant. On other transcripts: intron variant (2).
Genome position (GRCh38, 1-based): chr11:108,329,060, G>T. VCF-style: chr11-108329060-G-T. GRCh37 (hg19) VCF-style: chr11-108199787-G-T.
Other names: c.7129G>T, p.Asp2377Tyr (NM_001351834.2); c.641-19989C>A (NM_001330368.2); c.*38+6160C>A (NM_001351110.2); short protein forms D2377Y.
Identifiers: ClinVar variation 453660 (VCV000453660.11), dbSNP rs1555122008, ClinGen allele CA382559463.